The following is an entry in ClinVar:

ClinVar aggregate classification (germline): Uncertain significance (1 of 4 stars; one submission).

Submission:

GeneDx
Classification: Uncertain significance. Last evaluated: 2023-12-09. Review status: criteria provided, single submitter. Criteria: GeneDx Variant Classification Process June 2021. Collection method: clinical testing. Allele origin: germline. Affected: yes.
Comment: Not observed at significant frequency in large population cohorts (gnomAD); Canonical splice site variant in a gene or region of a gene for which loss of function is not a well-established mechanism of disease; Has not been previously published as pathogenic or benign to our knowledge

NM_014871.6(PAN2):c.1263-2A>T

Gene: PAN2 (poly(A) specific ribonuclease subunit PAN2; minus strand). Cytogenetic location: 12q13.3.
Variant type: single nucleotide variant.
Coding change: c.1263-2A>T on transcript NM_014871.6 (MANE Select); the canonical splice acceptor site of the intron before coding-DNA position 1263, A replaced by T.
Molecular consequence: splice acceptor variant.
Genome position (GRCh38, 1-based): chr12:56,326,411, T>A on the plus strand (A>T on the coding strand, the complement: PAN2 is on the minus strand). VCF-style: chr12-56326411-T-A. GRCh37 (hg19) VCF-style: chr12-56720195-T-A.
Other names: c.846-2A>T (NM_001394708.1); c.1263-2A>T (NM_001394706.1, NM_001394701.1, NM_001394704.1 and 8 more transcripts).
Identifiers: ClinVar variation 3365174 (VCV003365174.1).